The following is an entry in ClinVar:

ClinVar aggregate classification (germline): Likely benign. Review status: criteria provided, single submitter (1 of 4 stars). 2 submissions from 2 submitters: Likely benign (1). 1 of the submissions does not count toward it. Last evaluated 2024-02-21.

Conditions:
ALG9 congenital disorder of glycosylation (CDG1L). Also called: CDG Il; CONGENITAL DISORDER OF GLYCOSYLATION, TYPE Il; ALG9-CDG. Identifiers: Orphanet 79328, MedGen C2931006, MONDO:0012117, OMIM 608776.
ALG9-related disorder. Also called: ALG9-related condition.

Allele frequency attached by ClinVar (database versions not stated): gnomAD exomes 0.00002; gnomAD 0.00005; 1000 Genomes Project 30x 0.00031.
gnomAD v4.1: 31 of 1,605,024 alleles (0.0019%); highest among the groups gnomAD compares: Middle Eastern, 0.034%; no homozygotes.

Submissions (2):

Labcorp Genetics (formerly Invitae), Labcorp
Classification: Likely benign for ALG9 congenital disorder of glycosylation. Last evaluated: 2024-02-21. Review status: criteria provided, single submitter. Criteria: Invitae Variant Classification Sherloc (09022015). Collection method: clinical testing. Allele origin: germline.

PreventionGenetics, part of Exact Sciences
Classification: Likely benign for ALG9-related condition. Last evaluated: 2022-12-09. Review status: no assertion criteria provided. Collection method: clinical testing. Allele origin: germline. Not counted in ClinVar's aggregate classification.
Comment: This variant is classified as likely benign based on ACMG/AMP sequence variant interpretation guidelines (Richards et al. 2015 PMID: 25741868, with internal and published modifications).

NM_024740.2(ALG9):c.171A>G (p.Glu57=)

Gene: ALG9 (ALG9 alpha-1,2-mannosyltransferase; minus strand). Cytogenetic location: 11q23.1.
Variant type: single nucleotide variant.
Coding change: c.171A>G on transcript NM_024740.2 (MANE Select); coding-DNA position 171, A replaced by G.
Protein change: p.Glu57=; no amino-acid change (glutamic acid 57 retained).
Molecular consequence: synonymous variant. On other transcripts: 5 prime UTR variant (14), non-coding transcript variant (1), intron variant (1).
Genome position (GRCh38, 1-based): chr11:111,870,331, T>C on the plus strand (A>G on the coding strand, the complement: ALG9 is on the minus strand). VCF-style: chr11-111870331-T-C. GRCh37 (hg19) VCF-style: chr11-111741054-T-C.
Other names: c.171A>G, p.Glu57= (NM_001077690.1, NM_001352417.1, NM_001352418.1); c.-343A>G (NM_001077691.2, NM_001077692.2, NM_001352412.2 and 5 more transcripts); c.-347A>G (NM_001352410.1, NM_001352411.2, NM_001352413.1 and 2 more transcripts); c.-561A>G (NM_001352422.2); c.-244+1021A>G (NM_001352409.1).
Identifiers: ClinVar variation 3030560 (VCV003030560.4), dbSNP rs1323307679, ClinGen allele CA476785809.
Genomic context (GRCh38, chr11:111,870,331, plus strand): 5'-GTTGCTCAGGAGAGCAGCACATAACCTTGCTGAAAGCAGACACTTGAAAGCAGTAGATCC[T>C]TCAGGTGCCCAGACTTGTCCTGCTTTGTTCCCAGATAACCTGTTCAAAAGCAAAAAAAAA-3'
Protein context (NP_079016.2, residues 47-67): GNKAGQVWAP[Glu57=]GSTAFKCLLS